The following is an entry in ClinVar:

ClinVar aggregate classification (germline): Likely benign (0 of 4 stars; one submission).

Conditions:
BEST1-related disorder. Also called: BEST1-related condition; BEST1-related disorders. Identifiers: MedGen CN239200.

gnomAD v4.1: 77 of 1,546,718 alleles (0.005%); highest among the groups gnomAD compares: Non-Finnish European, 0.0066%; no homozygotes.

Submission:

PreventionGenetics, part of Exact Sciences
Classification: Likely benign for BEST1-related condition. Last evaluated: 2019-08-29. Review status: no assertion criteria provided. Collection method: clinical testing. Allele origin: germline.
Comment: This variant is classified as likely benign based on ACMG/AMP sequence variant interpretation guidelines (Richards et al. 2015 PMID: 25741868, with internal and published modifications).

NM_004183.4(BEST1):c.867+136C>T

Gene: BEST1 (bestrophin 1; plus strand). Cytogenetic location: 11q12.3.
Variant type: single nucleotide variant.
Coding change: c.867+136C>T on transcript NM_004183.4 (MANE Select); 136 bases into the intron after coding-DNA position 867, C replaced by T.
Molecular consequence: intron variant. On other transcripts: missense variant (1), 5 prime UTR variant (1), non-coding transcript variant (1).
Genome position (GRCh38, 1-based): chr11:61,958,434, C>T. VCF-style: chr11-61958434-C-T. GRCh37 (hg19) VCF-style: chr11-61725906-C-T.
Other names: c.1003C>T, p.Pro335Ser (NM_001363592.2); c.-173C>T (NM_001363593.3); c.867+136C>T (NM_001440571.1, NM_001440572.1); c.714+970C>T (NM_001440573.1); c.687+136C>T (NM_001139443.3, NM_001300787.2, NM_001440574.1 and 1 more transcripts); c.534+970C>T (NM_001440575.1, NM_001440576.1); c.549+136C>T (NM_001363591.3); short protein forms P335S.
Identifiers: ClinVar variation 3358630 (VCV003358630.1).